The following is an entry in ClinVar:

NM_000362.5(TIMP3):c.*2668T>C

Genes: SYN3 (synapsin III; minus strand), TIMP3 (TIMP metallopeptidase inhibitor 3; plus strand). Cytogenetic location: 22q12.3.
Variant type: single nucleotide variant.
Coding change: c.*2668T>C on transcript NM_000362.5 (MANE Select); 2668 bases downstream of the stop codon, T replaced by C.
Molecular consequence: 3 prime UTR variant. On other transcripts: intron variant (7).
Genome position (GRCh38, 1-based): chr22:32,862,045, T>C. VCF-style: chr22-32862045-T-C. GRCh37 (hg19) VCF-style: chr22-33258032-T-C.
Other names: c.708+2870A>G (NM_001369909.1, NM_001135774.2, NM_001369910.1); c.711+2870A>G (NM_001369907.1, NM_003490.4, NM_001369908.1 and 1 more transcripts).
Identifiers: ClinVar variation 341393 (VCV000341393.5), dbSNP rs79718825, ClinGen allele CA10645391.
Genomic context (GRCh38, chr22:32,862,045, plus strand): 5'-AAATACTTCTAGGCAAGCAGCTAGACTGGTGAATTGGGGGAAATAGAAGGAACTAGTAAC[T>C]GAGACTCCTCCAGCCTCCTCCCTATTGGAATCCCAATGGCTCCTGGAGTAGGAAAAAAGT-3'

ClinVar aggregate classification (germline): Benign (1 of 4 stars; one submission).

Conditions:
Sorsby fundus dystrophy (SFD). Also called: MACULAR DYSTROPHY, HEMORRHAGIC; Sorsby fundus dystrophy, Lavia type; FUNDUS DYSTROPHY, PSEUDOINFLAMMATORY, OF SORSBY. Identifiers: Orphanet 59181, MedGen C1850938, MONDO:0007640, OMIM 136900.

Allele frequency attached by ClinVar (database versions not stated): 1000 Genomes Project 0.01498; gnomAD 0.01535 and 0.01641; TOPMed 0.01714; 1000 Genomes Project 30x 0.01796.

Submission:

Illumina Laboratory Services, Illumina
Classification: Benign for Sorsby fundus dystrophy. Last evaluated: 2018-01-13. Review status: criteria provided, single submitter. Criteria: ICSL Variant Classification Criteria 13 December 2019. Collection method: clinical testing. Allele origin: germline.
Comment: This variant was observed in the ICSL laboratory as part of a predisposition screen in an ostensibly healthy population. It had not been previously curated by ICSL or reported in the Human Gene Mutation Database (HGMD: prior to June 1st, 2018), and was therefore a candidate for classification through an automated scoring system. Utilizing variant allele frequency, disease prevalence and penetrance estimates, and inheritance mode, an automated score was calculated to assess if this variant is too frequent to cause the disease. Based on the score and internal cut-off values, a variant classified as benign is not then subjected to further curation. The score for this variant resulted in a classification of benign for this disease.